The following is an entry in ClinVar:

ClinVar aggregate classification (germline): Uncertain significance. Review status: criteria provided, multiple submitters, no conflicts (2 of 4 stars). 2 submissions from 2 submitters: Uncertain significance (2). Last evaluated 2024-03-04.

Conditions:
Inborn genetic diseases. Identifiers: MedGen C0950123, MeSH D030342.
Holoprosencephaly 9 (HPE9). Also called: HOLOPROSENCEPHALY WITH MICROPHTHALMIA AND FIRST BRANCHIAL ARCH ANOMALIES; PITUITARY ANOMALIES WITH HOLOPROSENCEPHALY-LIKE FEATURES. Identifiers: Orphanet 2162, MedGen C1835819, MONDO:0012563, OMIM 610829.

Allele frequency attached by ClinVar (database versions not stated): TOPMed 0.00006.
gnomAD v4.1: 21 of 1,614,098 alleles (0.0013%); highest among the groups gnomAD compares: African/African-American, 0.017%; no homozygotes.

Submissions (2):

Ambry Genetics
Classification: Uncertain significance for Inborn genetic diseases. Last evaluated: 2024-03-04. Review status: criteria provided, single submitter. Criteria: Ambry Variant Classification Scheme 2023. Collection method: clinical testing. Allele origin: germline.

New York Genome Center
Classification: Uncertain significance for Holoprosencephaly 9. Last evaluated: 2022-02-07. Review status: criteria provided, single submitter. Criteria: NYGC Assertion Criteria 2020. Collection method: clinical testing. Allele origin: inherited. Observed: 1 heterozygote. Study: CSER-NYCKidSeq.
Comment: The p.Gly401Ser variant has not been reported in the available medical literature. The variant has 0.000024 allele frequency in the gnomAD database (6 out of 251,428 heterozygous alleles) indicating that it is a rare allele in the general population. The variant affects a residue which is evolutionarily not well-conserved. In silico tools show conflicting predictions about potential pathogenicity of this variant (majority of tools predict it to be neutral). However, experimental studies are needed to evaluate the functional consequences of this variant, if any. Based on the available evidence, the p.Gly401Ser variant in the GLI2gene is assessed as a variant of uncertain significance.

NM_001374353.1(GLI2):c.1183-33G>A

Gene: GLI2 (GLI family zinc finger 2; plus strand). Cytogenetic location: 2q14.2.
Variant type: single nucleotide variant.
Coding change: c.1183-33G>A on transcript NM_001374353.1 (MANE Select); 33 bases into the intron before coding-DNA position 1183, G replaced by A.
Molecular consequence: intron variant. On other transcripts: missense variant (2).
Genome position (GRCh38, 1-based): chr2:120,974,942, G>A. VCF-style: chr2-120974942-G-A. GRCh37 (hg19) VCF-style: chr2-121732518-G-A.
Other names: c.1201G>A, p.Gly401Ser (NM_001371271.1, NM_005270.5); c.808-33G>A (NM_001374354.1); short protein forms G401S.
Identifiers: ClinVar variation 977369 (VCV000977369.4), dbSNP rs761748900, ClinGen allele CA1851842.
Genomic context (GRCh38, chr2:120,974,942, plus strand): 5'-CTTGGCACAGAATGCATGGGACTAACAGCGACCTCTTTTCAGGGCCAGGTGTCTGGACAC[G>A]GCTCATGTGGGTGTGCCCTTCCCCTCTCCCAGGAGCAGCTGGCTGACCTCAAGGAAGATC-3'